The following is an entry in ClinVar:

ClinVar aggregate classification (germline): Uncertain significance (1 of 4 stars; one submission).

Conditions:
Immunodeficiency 23 (IMD23). Also called: IMMUNODEFICIENCY WITH HYPER IgE AND COGNITIVE IMPAIRMENT; IMMUNODEFICIENCY-VASCULITIS-MYOCLONUS SYNDROME. Identifiers: Orphanet 443811, MedGen C4014371, MONDO:0014353, OMIM 615816.

Submission:

OLLIN Analises Genomicas, OLLIN
Classification: Uncertain significance for Immunodeficiency 23. Last evaluated: 2026-08-06. Review status: criteria provided, single submitter. Criteria: ACMG Guidelines 2015 PMID 25741868. Collection method: clinical testing. Allele origin: germline. Inheritance: Autosomal recessive inheritance.
Comment: This missense variant, located in exon 7 (of 13), is absent from gnomAD and ClinVar and has not been identified in the literature. In silico analysis predicts that this variant has a deleterious effect. According to the currently available evidence, this variant has been classified as uncertain significance (PM2_P, PP3_S).

NM_015599.3(PGM3):c.833A>G (p.Asp278Gly)

Gene: PGM3 (phosphoglucomutase 3; minus strand). Cytogenetic location: 6q14.1.
Variant type: single nucleotide variant.
Coding change: c.833A>G on transcript NM_015599.3 (MANE Select); coding-DNA position 833, A replaced by G.
Protein change: p.Asp278Gly; replaces aspartic acid 278 with glycine.
Molecular consequence: missense variant. On other transcripts: non-coding transcript variant (1).
Genome position (GRCh38, 1-based): chr6:83,179,922, T>C on the plus strand (A>G on the coding strand, the complement: PGM3 is on the minus strand). VCF-style: chr6-83179922-T-C. GRCh37 (hg19) VCF-style: chr6-83889641-T-C.
Other names: c.917A>G, p.Asp306Gly (NM_001199917.2, NM_001367287.1); c.590A>G, p.Asp197Gly (NM_001199918.2); c.833A>G, p.Asp278Gly (NM_001199919.2, NM_001367286.1); short protein forms D197G, D278G, D306G.
Identifiers: ClinVar variation 5002934 (VCV005002934.1).